The following is an entry in ClinVar:

NM_004656.4(BAP1):c.68-20C>T

Gene: BAP1 (BRCA1 associated deubiquitinase 1; minus strand). Cytogenetic location: 3p21.1.
Variant type: single nucleotide variant.
Coding change: c.68-20C>T on transcript NM_004656.4 (MANE Select); 20 bases into the intron before coding-DNA position 68, C replaced by T.
Molecular consequence: intron variant.
Genome position (GRCh38, 1-based): chr3:52,409,628, G>A on the plus strand (C>T on the coding strand, the complement: BAP1 is on the minus strand). VCF-style: chr3-52409628-G-A. GRCh37 (hg19) VCF-style: chr3-52443644-G-A.
Identifiers: ClinVar variation 2028720 (VCV002028720.5), dbSNP rs2153228565, ClinGen allele CA2580070322.
Genomic context (GRCh38, chr3:52,409,628, plus strand): 5'-CTGAAGGTCGTAGATCTCCTCCACTTGCACCCCCTTGACACCTGCGATGAGGAAAGGAAA[G>A]CAGTAGGGAAGGACAGCCCCTGATGAGTGAGGGCGCAGGGGTGGGCCGCCACAGCCCCGG-3'

ClinVar aggregate classification (germline): Likely benign. Review status: criteria provided, multiple submitters, no conflicts (2 of 4 stars). 2 submissions from 2 submitters: Likely benign (2). Last evaluated 2024-10-31.

Conditions:
BAP1-related tumor predisposition syndrome (TPDS1). Also called: BAP1 tumor predisposition syndrome; COMMON Syndrome; TUMOR PREDISPOSITION SYNDROME 1; Tumor susceptibility linked to germline BAP1 mutations. Identifiers: Orphanet 289539, MedGen C3280492, MONDO:0013692, OMIM 614327.

Submissions (2):

Labcorp Genetics (formerly Invitae), Labcorp
Classification: Likely benign for BAP1-related tumor predisposition syndrome. Last evaluated: 2024-10-31. Review status: criteria provided, single submitter. Criteria: Invitae Variant Classification Sherloc (09022015). Collection method: clinical testing. Allele origin: germline.

Myriad Genetics, Inc.
Classification: Likely benign for BAP1-related tumor predisposition syndrome. Last evaluated: 2024-07-11. Review status: criteria provided, single submitter. Criteria: Myriad Autosomal Dominant, Autosomal Recessive and X-Linked Classification Criteria (2023). Collection method: clinical testing. Allele origin: unknown.
Comment: This variant is considered likely benign. This variant is intronic and is not expected to impact mRNA splicing.